The following is an entry in ClinVar:

ClinVar aggregate classification (germline): Uncertain significance. Review status: criteria provided, multiple submitters, no conflicts (2 of 4 stars). 2 submissions from 2 submitters: Uncertain significance (2). Last evaluated 2024-07-02.

Conditions:
Inborn genetic diseases. Identifiers: MedGen C0950123, MeSH D030342.
Autosomal dominant Parkinson disease 8. Also called: LRRK2-Related Parkinson Disease; Parkinson disease 8; Parkinson disease 8, susceptibility to. Identifiers: Orphanet 411602, MedGen C1846862, MONDO:0011764, OMIM 607060.

Allele frequency attached by ClinVar (database versions not stated): gnomAD exomes below 0.00001.
gnomAD v4.1: 3 of 1,611,810 alleles (0.00019%); highest among the groups gnomAD compares: Non-Finnish European, 0.00025%; no homozygotes.

Submissions (2):

Ambry Genetics
Classification: Uncertain significance for Inborn genetic diseases. Last evaluated: 2024-07-02. Review status: criteria provided, single submitter. Criteria: Ambry Variant Classification Scheme 2023. Collection method: clinical testing. Allele origin: germline.
Comment: The p.P2371S variant (also known as c.7111C>T), located in coding exon 48 of the LRRK2 gene, results from a C to T substitution at nucleotide position 7111. The proline at codon 2371 is replaced by serine, an amino acid with similar properties. This amino acid position is conserved. In addition, this alteration is predicted to be tolerated by in silico analysis. Since supporting evidence is limited at this time, the clinical significance of this alteration remains unclear.

Fulgent Genetics
Classification: Uncertain significance for Autosomal dominant Parkinson disease 8. Last evaluated: 2024-05-06. Review status: criteria provided, single submitter. Criteria: ACMG Guidelines, 2015. Collection method: clinical testing. Allele origin: germline.

NM_198578.4(LRRK2):c.7111C>T (p.Pro2371Ser)

Gene: LRRK2 (leucine rich repeat kinase 2; plus strand). Cytogenetic location: 12q12.
Variant type: single nucleotide variant.
Coding change: c.7111C>T on transcript NM_198578.4 (MANE Select); coding-DNA position 7111, C replaced by T.
Protein change: p.Pro2371Ser; replaces proline 2371 with serine.
Molecular consequence: missense variant.
Genome position (GRCh38, 1-based): chr12:40,363,484, C>T. VCF-style: chr12-40363484-C-T. GRCh37 (hg19) VCF-style: chr12-40757286-C-T.
Other names: short protein forms P2371S.
Identifiers: ClinVar variation 1757228 (VCV001757228.4), dbSNP rs1946779577, ClinGen allele CA384413393.